The following is an entry in ClinVar:

ClinVar aggregate classification (germline): Uncertain significance (1 of 4 stars; one submission).

Submission:

Dasa
Classification: Uncertain significance. Last evaluated: 2024-12-09. Review status: criteria provided, single submitter. Criteria: DASA Assertion Criteria. Collection method: clinical testing. Allele origin: germline.
Comment: NM_002224.4(ITPR3):c.4424C>T (p.Thr1475Ile) is a missense variant that results in the substitution of threonine with isoleucine. This variant is absent from population databases. Computational prediction algorithms are consistent with a benign effect. The currently available literature and clinical evidence are not sufficient to establish a definitive association between this variant and the reported condition. Therefore, this variant is classified as a variant of uncertain significance.

NM_002224.4(ITPR3):c.4424C>T (p.Thr1475Ile)

Gene: ITPR3 (inositol 1,4,5-trisphosphate receptor type 3; plus strand). Cytogenetic location: 6p21.31.
Variant type: single nucleotide variant.
Coding change: c.4424C>T on transcript NM_002224.4 (MANE Select); coding-DNA position 4424, C replaced by T.
Protein change: p.Thr1475Ile; replaces threonine 1475 with isoleucine.
Molecular consequence: missense variant.
Genome position (GRCh38, 1-based): chr6:33,680,628, C>T. VCF-style: chr6-33680628-C-T. GRCh37 (hg19) VCF-style: chr6-33648405-C-T.
Other names: short protein forms T1475I.
Identifiers: ClinVar variation 4884981 (VCV004884981.2).